The following is an entry in ClinVar:

ClinVar aggregate classification (germline): Uncertain significance (1 of 4 stars; one submission).

Submission:

GeneDx
Classification: Uncertain significance. Last evaluated: 2024-05-28. Review status: criteria provided, single submitter. Criteria: GeneDx Variant Classification Process June 2021. Collection method: clinical testing. Allele origin: germline. Affected: yes.
Comment: Not observed at significant frequency in large population cohorts (gnomAD); In silico analysis indicates that this missense variant does not alter protein structure/function; Has not been previously published as pathogenic or benign to our knowledge.

NM_001205293.3(CACNA1E):c.6885G>A (p.Met2295Ile)

Gene: CACNA1E (calcium voltage-gated channel subunit alpha1 E; plus strand). Cytogenetic location: 1q25.3.
Variant type: single nucleotide variant.
Coding change: c.6885G>A on transcript NM_001205293.3 (MANE Select); coding-DNA position 6885, G replaced by A.
Protein change: p.Met2295Ile; replaces methionine 2295 with isoleucine.
Molecular consequence: missense variant.
Genome position (GRCh38, 1-based): chr1:181,798,777, G>A. VCF-style: chr1-181798777-G-A. GRCh37 (hg19) VCF-style: chr1-181767913-G-A.
Other names: c.6756G>A, p.Met2252Ile (NM_000721.4); c.6699G>A, p.Met2233Ile (NM_001205294.2); short protein forms M2233I, M2252I, M2295I.
Identifiers: ClinVar variation 3383697 (VCV003383697.1).
Genomic context (GRCh38, chr1:181,798,777, plus strand): 5'-CTGGCAGATGCCCAACGGGCACTATCGGCGGCGGAGGCGCGGGGGGCCTGGGCCAGGCAT[G>A]ATGTGTGGGGCTGTCAACAACCTGCTAAGTGACACGGAAGAAGATGACAAATGCTAGAGG-3'
Protein context (NP_001192222.1, residues 2285-2305): RRRRGGPGPG[Met2295Ile]MCGAVNNLLS